The following is an entry in ClinVar:

ClinVar aggregate classification (germline): Likely pathogenic (1 of 4 stars; one submission).

Conditions:
Sifrim-Hitz-Weiss syndrome (SIHIWES). Also called: SIFRIM-HITZ-WEISS MULTIPLE CONGENITAL ANOMALIES-MENTAL RETARDATION SYNDROME; CHD4 Neurodevelopmental Disorder. Identifiers: Orphanet 653712, MedGen C4310688, MONDO:0014946, OMIM 617159.

Submission:

3billion
Classification: Likely pathogenic for Sifrim-Hitz-Weiss syndrome. Last evaluated: 2025-08-20. Review status: criteria provided, single submitter. Criteria: ACMG Guidelines, 2015. Collection method: clinical testing. Allele origin: germline. Affected: yes.
Comment: The variant is not observed in the gnomAD v4.1.0 dataset. Predicted Consequence/Location: Canonical splice site: predicted to alter splicing and result in a loss or disruption of normal protein function. Multiple pathogenic loss-of-function variants are reported downstream of the variant. In silico tools predict the variant to alter splicing and produce an abnormal transcript [SpliceAI: 1.00 (spliceogenicity >=0.2, non-spliceogenicity <0.1)]. Therefore, this variant is classified as Likely pathogenic according to the recommendation of ACMG/AMP guideline.

NM_001273.5(CHD4):c.3879+1G>T

Gene: CHD4 (chromodomain helicase DNA binding protein 4; minus strand). Cytogenetic location: 12p13.31.
Variant type: single nucleotide variant.
Coding change: c.3879+1G>T on transcript NM_001273.5 (MANE Select); the canonical splice donor site of the intron after coding-DNA position 3879, G replaced by T.
Molecular consequence: splice donor variant.
Genome position (GRCh38, 1-based): chr12:6,587,383, C>A on the plus strand (G>T on the coding strand, the complement: CHD4 is on the minus strand). VCF-style: chr12-6587383-C-A. GRCh37 (hg19) VCF-style: chr12-6696549-C-A.
Other names: c.3840+1G>T (NM_001363606.2); c.3858+1G>T (NM_001297553.2).
Identifiers: ClinVar variation 4856166 (VCV004856166.1).